The following is an entry in ClinVar:

ClinVar aggregate classification (germline): Likely benign (1 of 4 stars; one submission).

Allele frequency attached by ClinVar (database versions not stated): ESP Exome Variant Server 0.00015.
gnomAD v4.1: 29 of 1,614,224 alleles (0.0018%); highest among the groups gnomAD compares: Non-Finnish European, 0.0022%; no homozygotes.

Submission:

CeGaT Center for Human Genetics Tuebingen
Classification: Likely benign. Last evaluated: 2022-03-01. Review status: criteria provided, single submitter. Criteria: CeGaT Center For Human Genetics Tuebingen Variant Classification Criteria Version 2. Collection method: clinical testing. Allele origin: germline. Affected: yes. Observed: 1 variant allele.
Comment: TAOK1: BP4

NM_020791.4(TAOK1):c.1143A>G (p.Leu381=)

Gene: TAOK1 (TAO kinase 1; plus strand). Cytogenetic location: 17q11.2.
Variant type: single nucleotide variant.
Coding change: c.1143A>G on transcript NM_020791.4 (MANE Select); coding-DNA position 1143, A replaced by G.
Protein change: p.Leu381=; no amino-acid change (leucine 381 retained).
Molecular consequence: synonymous variant.
Genome position (GRCh38, 1-based): chr17:29,498,461, A>G. VCF-style: chr17-29498461-A-G. GRCh37 (hg19) VCF-style: chr17-27825479-A-G.
Other names: c.1143A>G, p.Leu381= (NM_025142.1).
Identifiers: ClinVar variation 1675665 (VCV001675665.33), dbSNP rs368442296, ClinGen allele CA289645288.